The following is an entry in ClinVar:

NM_033305.3(VPS13A):c.302T>G (p.Leu101Ter)

Gene: VPS13A (vacuolar protein sorting 13 homolog A; plus strand). Cytogenetic location: 9q21.2.
Variant type: single nucleotide variant.
Coding change: c.302T>G on transcript NM_033305.3 (MANE Select); coding-DNA position 302, T replaced by G.
Protein change: p.Leu101Ter; replaces leucine 101 with a stop codon.
Molecular consequence: nonsense.
Genome position (GRCh38, 1-based): chr9:77,205,996, T>G. VCF-style: chr9-77205996-T-G. GRCh37 (hg19) VCF-style: chr9-79820912-T-G.
Other names: c.302T>G, p.Leu101Ter (NM_001018037.2, NM_001018038.3, NM_015186.4); short protein forms L101*.
Identifiers: ClinVar variation 5013313 (VCV005013313.1).

ClinVar aggregate classification (germline): Pathogenic (1 of 4 stars; one submission).

Conditions:
VPS13A-related neurodegenerative disease. Also called: ACANTHOCYTOSIS WITH NEUROLOGIC DISORDER; LEVINE-CRITCHLEY SYNDROME; Choreoacanthocytosis; Chorea-acanthocytosis; Choreaacanthocytosis; VPS13A Disease. Identifiers: Orphanet 2388, MedGen C0393576, MONDO:0008695, OMIM 200150.

gnomAD v4.1: 1 of 1,574,324 alleles (0.000064%); highest among the groups gnomAD compares: Non-Finnish European, 0.000086%; no homozygotes.

Submission:

Myriad Genetics, Inc.
Classification: Pathogenic for VPS13A-related neurodegenerative disease. Last evaluated: 2024-07-15. Review status: criteria provided, single submitter. Criteria: Myriad Autosomal Dominant, Autosomal Recessive and X-Linked Classification Criteria (2023). Collection method: clinical testing. Allele origin: unknown.
Comment: NM_033305.2(VPS13A):c.302T>G(L101*) is expected to be pathogenic in the context of VPS13A disease. This variant is predicted to lead to an abnormal or absent protein product due to the creation of a premature termination codon in VPS13A, a gene where loss-of-function variants are known to be pathogenic. Please note: this variant was assessed in the context of healthy population screening.